The following is an entry in ClinVar:

ClinVar aggregate classification (germline): Uncertain significance. Review status: criteria provided, multiple submitters, no conflicts (2 of 4 stars). 2 submissions from 2 submitters: Uncertain significance (2). Last evaluated 2025-05-08.

Conditions:
Inborn genetic diseases. Identifiers: MedGen C0950123, MeSH D030342.

Submissions (2):

Ambry Genetics
Classification: Uncertain significance for Inborn genetic diseases. Last evaluated: 2025-05-08. Review status: criteria provided, single submitter. Criteria: Ambry Variant Classification Scheme 2023. Collection method: clinical testing. Allele origin: germline.
Comment: The p.Y92S variant (also known as c.275A>C), located in coding exon 2 of the MRAS gene, results from an A to C substitution at nucleotide position 275. The tyrosine at codon 92 is replaced by serine, an amino acid with dissimilar properties. This amino acid position is conserved. In addition, the in silico prediction for this alteration is inconclusive. Based on the available evidence, the clinical significance of this variant remains unclear.

Labcorp Genetics (formerly Invitae), Labcorp
Classification: Uncertain significance. Last evaluated: 2022-07-17. Review status: criteria provided, single submitter. Criteria: Invitae Variant Classification Sherloc (09022015). Collection method: clinical testing. Allele origin: germline.
Comment: This sequence change replaces tyrosine, which is neutral and polar, with serine, which is neutral and polar, at codon 92 of the MRAS protein (p.Tyr92Ser). This variant is not present in population databases (gnomAD no frequency). This variant has not been reported in the literature in individuals affected with MRAS-related conditions. Algorithms developed to predict the effect of missense changes on protein structure and function (SIFT, PolyPhen-2, Align-GVGD) all suggest that this variant is likely to be disruptive. In summary, the available evidence is currently insufficient to determine the role of this variant in disease. Therefore, it has been classified as a Variant of Uncertain Significance.

NM_001085049.3(MRAS):c.275A>C (p.Tyr92Ser)

Gene: MRAS (muscle RAS oncogene homolog; plus strand). Cytogenetic location: 3q22.3.
Variant type: single nucleotide variant.
Coding change: c.275A>C on transcript NM_001085049.3 (MANE Select); coding-DNA position 275, A replaced by C.
Protein change: p.Tyr92Ser; replaces tyrosine 92 with serine.
Molecular consequence: missense variant.
Genome position (GRCh38, 1-based): chr3:138,397,405, A>C. VCF-style: chr3-138397405-A-C. GRCh37 (hg19) VCF-style: chr3-138116247-A-C.
Other names: c.275A>C (NM_012219.3); c.275A>C, p.Tyr92Ser (NM_001252090.2, NM_012219.4); c.47A>C, p.Tyr16Ser (NM_001252091.1, NM_001252092.2, NM_001252093.2); short protein forms Y92S, Y16S.
Identifiers: ClinVar variation 2017736 (VCV002017736.5), dbSNP rs775370867, ClinGen allele CA354672842.